The following is an entry in ClinVar:

NM_004646.4(NPHS1):c.1707C>G (p.Ser569Arg)

Gene: NPHS1 (NPHS1 adhesion molecule, nephrin; minus strand). Cytogenetic location: 19q13.12.
Variant type: single nucleotide variant.
Coding change: c.1707C>G on transcript NM_004646.4 (MANE Select); coding-DNA position 1707, C replaced by G.
Protein change: p.Ser569Arg; replaces serine 569 with arginine.
Molecular consequence: missense variant.
Genome position (GRCh38, 1-based): chr19:35,845,719, G>C on the plus strand (C>G on the coding strand, the complement: NPHS1 is on the minus strand). VCF-style: chr19-35845719-G-C. GRCh37 (hg19) VCF-style: chr19-36336621-G-C.
Other names: short protein forms S569R.
Identifiers: ClinVar variation 56446 (VCV000056446.2), dbSNP rs386833888, ClinGen allele CA250134.
Genomic context (GRCh38, chr19:35,845,719, plus strand): 5'-GCACTCCCACCTCTCCCCTTCCTTGTCCCAGGACAAGTTGACCGGCGGATTGCTGCTGAC[G>C]CTGACGCATGTCAAGTTTAAGGCGTCTCCCGGGCGCAGTGCGGATGCGTTGGCCAGGATC-3'
Protein context (NP_004637.1, residues 559-579): PGDALNLTCV[Ser569Arg]VSSNPPVNLS

ClinVar aggregate classification (germline): Likely pathogenic (0 of 4 stars; one submission).

Conditions:
Finnish congenital nephrotic syndrome (NPHS1). Also called: NEPHROTIC SYNDROME, TYPE 1. Identifiers: Orphanet 839, MedGen C0403399, MONDO:0009732, OMIM 256300.

Submission:

Juha Muilu Group; Institute for Molecular Medicine Finland (FIMM)
Classification: Likely pathogenic for Finnish congenital nephrotic syndrome. Review status: no assertion criteria provided. Collection method: not provided. Allele origin: unknown.
Comment: FinDis database variant: This variant was not found or characterized by our laboratory, data were collected from public sources: see reference
ClinVar note: Converted during submission from probable-pathogenic to Likely pathogenic.